The following is an entry in ClinVar:

NM_015335.5(MED13L):c.451G>A (p.Glu151Lys)

Gene: MED13L (mediator complex subunit 13L; minus strand). Cytogenetic location: 12q24.21.
Variant type: single nucleotide variant.
Coding change: c.451G>A on transcript NM_015335.5 (MANE Select); coding-DNA position 451, G replaced by A.
Protein change: p.Glu151Lys; replaces glutamic acid 151 with lysine.
Molecular consequence: missense variant.
Genome position (GRCh38, 1-based): chr12:116,096,697, C>T on the plus strand (G>A on the coding strand, the complement: MED13L is on the minus strand). VCF-style: chr12-116096697-C-T. GRCh37 (hg19) VCF-style: chr12-116534502-C-T.
Other names: short protein forms E151K.
Identifiers: ClinVar variation 573598 (VCV000573598.11), dbSNP rs773315749, ClinGen allele CA6811675.

ClinVar aggregate classification (germline): Benign/Likely benign. Review status: criteria provided, multiple submitters, no conflicts (2 of 4 stars). 3 submissions from 3 submitters: Benign (1); Likely benign (2). Last evaluated 2026-09-01.

Conditions:
Inborn genetic diseases. Identifiers: MedGen C0950123, MeSH D030342.
Dextro-looped transposition of the great arteries. Also called: Dextrotransposition of the great arteries. Identifiers: Orphanet 860, MedGen C3531771, MONDO:0019443, OMIM 608808, HP:0031348.

Allele frequency attached by ClinVar (database versions not stated): TOPMed 0.00002; ExAC 0.00005; gnomAD exomes 0.00006 and 0.00002; gnomAD 0.00001.
gnomAD v4.1: 31 of 1,613,836 alleles (0.0019%); highest among the groups gnomAD compares: Admixed American, 0.022%; no homozygotes.

Submissions (3):

CeGaT Center for Human Genetics Tuebingen
Classification: Likely benign. Last evaluated: 2026-09-01. Review status: criteria provided, single submitter. Criteria: CeGaT Center For Human Genetics Tuebingen Variant Classification Criteria Version 2. Collection method: clinical testing. Allele origin: germline. Affected: yes. Observed: 1 variant allele.
Comment: MED13L: BP1

Labcorp Genetics (formerly Invitae), Labcorp
Classification: Benign for Dextro-looped transposition of the great arteries. Last evaluated: 2025-10-11. Review status: criteria provided, single submitter. Criteria: Invitae Variant Classification Sherloc (09022015). Collection method: clinical testing. Allele origin: germline.

Ambry Genetics
Classification: Likely benign for Inborn genetic diseases. Last evaluated: 2025-06-24. Review status: criteria provided, single submitter. Criteria: Ambry Variant Classification Scheme 2023. Collection method: clinical testing. Allele origin: germline.